The following is an entry in ClinVar:

NM_004656.4(BAP1):c.1731G>A (p.Glu577=)

Gene: BAP1 (BRCA1 associated deubiquitinase 1; minus strand). Cytogenetic location: 3p21.1.
Variant type: single nucleotide variant.
Coding change: c.1731G>A on transcript NM_004656.4 (MANE Select); coding-DNA position 1731, G replaced by A.
Protein change: p.Glu577=; no amino-acid change (glutamic acid 577 retained).
Molecular consequence: synonymous variant.
Genome position (GRCh38, 1-based): chr3:52,403,297, C>T on the plus strand (G>A on the coding strand, the complement: BAP1 is on the minus strand). VCF-style: chr3-52403297-C-T. GRCh37 (hg19) VCF-style: chr3-52437313-C-T.
Other names: c.1731G>A (NM_004656.2).
Identifiers: ClinVar variation 1481899 (VCV001481899.16), dbSNP rs1705029620, ClinGen allele CA433886162.

ClinVar aggregate classification (germline): Conflicting classifications of pathogenicity. Review status: criteria provided, conflicting classifications (1 of 4 stars). 3 submissions from 3 submitters: Uncertain significance (2); Likely benign (1). Last evaluated 2025-06-01.

Conditions:
Hereditary cancer-predisposing syndrome. Also called: Hereditary neoplastic syndrome; Tumor predisposition; Hereditary Cancer Syndrome; Neoplastic Syndromes, Hereditary. Identifiers: Orphanet 140162, MedGen C0027672, MeSH D009386, MONDO:0015356.
BAP1-related tumor predisposition syndrome (TPDS1). Also called: COMMON Syndrome; Tumor susceptibility linked to germline BAP1 mutations; BAP1 tumor predisposition syndrome; TUMOR PREDISPOSITION SYNDROME 1. Identifiers: Orphanet 289539, MedGen C3280492, MONDO:0013692, OMIM 614327.

Submissions (3):

CeGaT Center for Human Genetics Tuebingen
Classification: Uncertain significance. Last evaluated: 2025-06-01. Review status: criteria provided, single submitter. Criteria: CeGaT Center For Human Genetics Tuebingen Variant Classification Criteria Version 2. Collection method: clinical testing. Allele origin: germline. Affected: yes. Observed: 1 variant allele.
Comment: BAP1: PM2, PP3

Ambry Genetics
Classification: Likely benign for Hereditary cancer-predisposing syndrome. Last evaluated: 2025-04-07. Review status: criteria provided, single submitter. Criteria: Ambry Variant Classification Scheme 2023. Collection method: clinical testing. Allele origin: germline.

Labcorp Genetics (formerly Invitae), Labcorp
Classification: Uncertain significance for BAP1-related tumor predisposition syndrome. Last evaluated: 2024-08-31. Review status: criteria provided, single submitter. Criteria: Invitae Variant Classification Sherloc (09022015). Collection method: clinical testing. Allele origin: germline.
Comment: This sequence change affects codon 577 of the BAP1 mRNA. It is a 'silent' change, meaning that it does not change the encoded amino acid sequence of the BAP1 protein. This variant is not present in population databases (gnomAD no frequency). This variant has not been reported in the literature in individuals affected with BAP1-related conditions. ClinVar contains an entry for this variant (Variation ID: 1481899). Algorithms developed to predict the effect of sequence changes on RNA splicing suggest that this variant may create or strengthen a splice site. In summary, the available evidence is currently insufficient to determine the role of this variant in disease. Therefore, it has been classified as a Variant of Uncertain Significance.

Literature cited by the submitters: PubMed 38969833 (cited by Ambry Genetics).